The following is an entry in ClinVar:

NM_001042424.3(NSD2):c.1367C>T (p.Ala456Val)

Gene: NSD2 (nuclear receptor binding SET domain protein 2; plus strand). Cytogenetic location: 4p16.3.
Variant type: single nucleotide variant.
Coding change: c.1367C>T on transcript NM_001042424.3 (MANE Select); coding-DNA position 1367, C replaced by T.
Protein change: p.Ala456Val; replaces alanine 456 with valine.
Molecular consequence: missense variant.
Genome position (GRCh38, 1-based): chr4:1,918,580, C>T. VCF-style: chr4-1918580-C-T. GRCh37 (hg19) VCF-style: chr4-1920307-C-T.
Other names: c.1367C>T, p.Ala456Val (NM_007331.2, NM_133330.3, NM_133331.3 and 2 more transcripts); short protein forms A456V.
Identifiers: ClinVar variation 2106026 (VCV002106026.4), dbSNP rs1173566157, ClinGen allele CA356008192.

ClinVar aggregate classification (germline): Uncertain significance (1 of 4 stars; one submission).

gnomAD v4.1: 1 of 1,613,878 alleles (0.000062%); highest among the groups gnomAD compares: African/African-American, 0.0013%; no homozygotes.

Submission:

Labcorp Genetics (formerly Invitae), Labcorp
Classification: Uncertain significance. Last evaluated: 2022-11-01. Review status: criteria provided, single submitter. Criteria: Invitae Variant Classification Sherloc (09022015). Collection method: clinical testing. Allele origin: germline.
Comment: This sequence change replaces alanine, which is neutral and non-polar, with valine, which is neutral and non-polar, at codon 456 of the WHSC1 protein (p.Ala456Val). This variant is not present in population databases (gnomAD no frequency). This variant has not been reported in the literature in individuals affected with WHSC1-related conditions. Advanced modeling of protein sequence and biophysical properties (such as structural, functional, and spatial information, amino acid conservation, physicochemical variation, residue mobility, and thermodynamic stability) performed at Invitae indicates that this missense variant is not expected to disrupt WHSC1 protein function. In summary, the available evidence is currently insufficient to determine the role of this variant in disease. Therefore, it has been classified as a Variant of Uncertain Significance.